The following is an entry in ClinVar:

ClinVar aggregate classification (germline): Benign/Likely benign. Review status: criteria provided, multiple submitters, no conflicts (2 of 4 stars). 3 submissions from 3 submitters: Benign (1); Likely benign (2). Last evaluated 2024-09-03.

Conditions:
Familial cancer of breast. Also called: BREAST CANCER, FAMILIAL; hereditary breast carcinoma; Hereditary breast cancer. Identifiers: Orphanet 227535, MedGen C0346153, MONDO:0016419, OMIM 114480. Disease mechanism: loss of function.
Fanconi anemia complementation group J. Also called: BRIP1-Related Fanconi Anemia. Identifiers: Orphanet 84, MedGen C1836860, MONDO:0012187, OMIM 609054.
Hereditary cancer-predisposing syndrome. Also called: Neoplastic Syndromes, Hereditary; Hereditary Cancer Syndrome; Tumor predisposition; Hereditary neoplastic syndrome. Identifiers: Orphanet 140162, MedGen C0027672, MeSH D009386, MONDO:0015356.

Submissions (3):

Myriad Genetics, Inc.
Classification: Benign for Familial cancer of breast. Last evaluated: 2024-09-03. Review status: criteria provided, single submitter. Criteria: Myriad Autosomal Dominant, Autosomal Recessive and X-Linked Classification Criteria (2023). Collection method: clinical testing. Allele origin: unknown.
Comment: This variant is considered benign. This variant is a silent/synonymous amino acid change and it is not expected to impact splicing.

Ambry Genetics
Classification: Likely benign for Hereditary cancer-predisposing syndrome. Last evaluated: 2023-08-01. Review status: criteria provided, single submitter. Criteria: Ambry Variant Classification Scheme 2023. Collection method: clinical testing. Allele origin: germline.

Labcorp Genetics (formerly Invitae), Labcorp
Classification: Likely benign for Familial cancer of breast; Fanconi anemia complementation group J. Last evaluated: 2022-08-21. Review status: criteria provided, single submitter. Criteria: Invitae Variant Classification Sherloc (09022015). Collection method: clinical testing. Allele origin: germline.

NM_032043.3(BRIP1):c.2121T>A (p.Arg707=)

Gene: BRIP1 (BRCA1 interacting DNA helicase 1; minus strand). Cytogenetic location: 17q23.2.
Variant type: single nucleotide variant.
Coding change: c.2121T>A on transcript NM_032043.3 (MANE Select); coding-DNA position 2121, T replaced by A.
Protein change: p.Arg707=; no amino-acid change (arginine 707 retained).
Molecular consequence: synonymous variant.
Genome position (GRCh38, 1-based): chr17:61,744,568, A>T on the plus strand (T>A on the coding strand, the complement: BRIP1 is on the minus strand). VCF-style: chr17-61744568-A-T. GRCh37 (hg19) VCF-style: chr17-59821929-A-T.
Identifiers: ClinVar variation 2025470 (VCV002025470.7), dbSNP rs1481107855, ClinGen allele CA501151371.